The following is an entry in ClinVar:

NM_001378457.1(DMXL2):c.6094G>C (p.Asp2032His)

Gene: DMXL2 (Dmx like 2; minus strand). Cytogenetic location: 15q21.2.
Variant type: single nucleotide variant.
Coding change: c.6094G>C on transcript NM_001378457.1 (MANE Select); coding-DNA position 6094, G replaced by C.
Protein change: p.Asp2032His; replaces aspartic acid 2032 with histidine.
Molecular consequence: missense variant. On other transcripts: non-coding transcript variant (2).
Genome position (GRCh38, 1-based): chr15:51,481,012, C>G on the plus strand (G>C on the coding strand, the complement: DMXL2 is on the minus strand). VCF-style: chr15-51481012-C-G. GRCh37 (hg19) VCF-style: chr15-51773209-C-G.
Other names: c.6094G>C, p.Asp2032His (NM_001174116.3, NM_001378458.1, NM_001378459.1 and 4 more transcripts); c.4186G>C, p.Asp1396His (NM_001174117.3); c.6094G>C (NM_001174116.1); c.4075G>C, p.Asp1359His (NM_001378460.1); c.5854G>C, p.Asp1952His (NM_001378464.1); short protein forms D1359H, D1396H, D1952H, D2032H.
Identifiers: ClinVar variation 3617433 (VCV003617433.3).

ClinVar aggregate classification (germline): Uncertain significance. Review status: criteria provided, multiple submitters, no conflicts (2 of 4 stars). 2 submissions from 2 submitters: Uncertain significance (2). Last evaluated 2025-03-30.

Conditions:
Inborn genetic diseases. Identifiers: MedGen C0950123, MeSH D030342.

gnomAD v4.1: 8 of 1,614,152 alleles (0.0005%); highest among the groups gnomAD compares: East Asian, 0.016%; no homozygotes.

Submissions (2):

Ambry Genetics
Classification: Uncertain significance for Inborn genetic diseases. Last evaluated: 2025-03-30. Review status: criteria provided, single submitter. Criteria: Ambry Variant Classification Scheme 2023. Collection method: clinical testing. Allele origin: germline.

Labcorp Genetics (formerly Invitae), Labcorp
Classification: Uncertain significance. Last evaluated: 2024-06-09. Review status: criteria provided, single submitter. Criteria: Invitae Variant Classification Sherloc (09022015). Collection method: clinical testing. Allele origin: germline.
Comment: This sequence change replaces aspartic acid, which is acidic and polar, with histidine, which is basic and polar, at codon 2032 of the DMXL2 protein (p.Asp2032His). This variant is present in population databases (rs779531841, gnomAD 0.006%). This variant has not been reported in the literature in individuals affected with DMXL2-related conditions. An algorithm developed to predict the effect of missense changes on protein structure and function (PolyPhen-2) suggests that this variant is likely to be disruptive. In summary, the available evidence is currently insufficient to determine the role of this variant in disease. Therefore, it has been classified as a Variant of Uncertain Significance.